The following is an entry in ClinVar:

ClinVar aggregate classification (germline): Uncertain significance (1 of 4 stars; one submission).

Conditions:
LAMA2-related muscular dystrophy (LAMA2-RD). Also called: Laminin alpha 2-related dystrophy. Identifiers: MedGen C5679788, MONDO:0100228.

Submission:

Labcorp Genetics (formerly Invitae), Labcorp
Classification: Uncertain significance for LAMA2-related muscular dystrophy. Last evaluated: 2021-02-23. Review status: criteria provided, single submitter. Criteria: Invitae Variant Classification Sherloc (09022015). Collection method: clinical testing. Allele origin: germline.
Comment: Algorithms developed to predict the effect of missense changes on protein structure and function are either unavailable or do not agree on the potential impact of this missense change (SIFT: "Deleterious"; PolyPhen-2: "Probably Damaging"; Align-GVGD: "Class C0"). In summary, the available evidence is currently insufficient to determine the role of this variant in disease. Therefore, it has been classified as a Variant of Uncertain Significance. This sequence change replaces tryptophan with arginine at codon 1049 of the LAMA2 protein (p.Trp1049Arg). The tryptophan residue is highly conserved and there is a moderate physicochemical difference between tryptophan and arginine. This variant is not present in population databases (ExAC no frequency). This variant has not been reported in the literature in individuals with LAMA2-related conditions.

NM_000426.4(LAMA2):c.3145T>C (p.Trp1049Arg)

Gene: LAMA2 (laminin subunit alpha 2; plus strand). Cytogenetic location: 6q22.33.
Variant type: single nucleotide variant.
Coding change: c.3145T>C on transcript NM_000426.4 (MANE Select); coding-DNA position 3145, T replaced by C.
Protein change: p.Trp1049Arg; replaces tryptophan 1049 with arginine.
Molecular consequence: missense variant.
Genome position (GRCh38, 1-based): chr6:129,300,843, T>C. VCF-style: chr6-129300843-T-C. GRCh37 (hg19) VCF-style: chr6-129621988-T-C.
Other names: c.3145T>C, p.Trp1049Arg (NM_001079823.2); short protein forms W1049R.
Identifiers: ClinVar variation 1367810 (VCV001367810.8), dbSNP rs2114461236, ClinGen allele CA365611542.